The following is an entry in ClinVar:

ClinVar aggregate classification (germline): Benign. Review status: criteria provided, multiple submitters, no conflicts (2 of 4 stars). 3 submissions from 3 submitters: Benign (3). Last evaluated 2021-07-14.

Conditions:
Neuropathy, hereditary sensory and autonomic, type 2A (HSAN2A). Also called: WNK1-Related HSAN2 (HSAN2A); ACROOSTEOLYSIS, GIACCAI TYPE; ACROOSTEOLYSIS, NEUROGENIC; MORVAN DISEASE; NEUROPATHY, CONGENITAL SENSORY; NEUROPATHY, HEREDITARY SENSORY RADICULAR, AUTOSOMAL RECESSIVE. Identifiers: Orphanet 970, MedGen C2752089, MONDO:0024309, OMIM 201300.

Allele frequency attached by ClinVar (database versions not stated): TOPMed 0.60948; ESP Exome Variant Server 0.61079; gnomAD 0.61933 and 0.62609; 1000 Genomes Project 30x 0.62773; 1000 Genomes Project 0.63618; gnomAD exomes 0.68157 and 0.69496; ExAC 0.68206.
gnomAD v4.1: 1,109,717 of 1,612,736 alleles (69%); highest among the groups gnomAD compares: East Asian, 88%; 385,897 homozygotes.

Submissions (3):

Genome-Nilou Lab
Classification: Benign for Neuropathy, hereditary sensory and autonomic, type 2A. Last evaluated: 2021-07-14. Review status: criteria provided, single submitter. Criteria: ACMG Guidelines, 2015. Collection method: clinical testing. Allele origin: germline. Affected: no.

GeneDx
Classification: Benign. Last evaluated: 2018-06-14. Review status: criteria provided, single submitter. Criteria: GeneDx Variant Classification (06012015). Collection method: clinical testing. Allele origin: germline. Affected: yes.
Comment: This variant is considered likely benign or benign based on one or more of the following criteria: it is a conservative change, it occurs at a poorly conserved position in the protein, it is predicted to be benign by multiple in silico algorithms, and/or has population frequency not consistent with disease.

Breakthrough Genomics
Classification: Benign. Review status: criteria provided, single submitter. Criteria: ACMG Guidelines, 2015. Collection method: not provided. Allele origin: germline. Inheritance: Autosomal recessive inheritance. Affected: yes.

NM_018979.4(WNK1):c.759+27G>A

Gene: WNK1 (WNK lysine deficient protein kinase 1; plus strand). Cytogenetic location: 12p13.33.
Variant type: single nucleotide variant.
Coding change: c.759+27G>A on transcript NM_018979.4 (MANE Select); 27 bases into the intron after coding-DNA position 759, G replaced by A.
Molecular consequence: intron variant.
Genome position (GRCh38, 1-based): chr12:754,351, G>A. VCF-style: chr12-754351-G-A. GRCh37 (hg19) VCF-style: chr12-863517-G-A.
Other names: c.759+27G>A (NM_213655.5, NM_001184985.2, NM_014823.3).
Identifiers: ClinVar variation 670589 (VCV000670589.5), dbSNP rs3858703, ClinGen allele CA6381840.